The following is an entry in ClinVar:

ClinVar aggregate classification (germline): Likely pathogenic (1 of 4 stars; one submission).

Conditions:
Wilson disease (WND). Also called: Wilson's disease. Identifiers: Orphanet 905, MedGen C0019202, MONDO:0010200, OMIM 277900. Disease mechanism: loss of function.

Submission:

Dr. Moinak Lab, Sanjay Gandhi Postgraduate Institute of Medical Sciences
Classification: Likely pathogenic for Wilson disease. Last evaluated: 2024-04-30. Review status: criteria provided, single submitter. Criteria: ACMG Guidelines, 2015. Collection method: clinical testing. Allele origin: germline. Inheritance: Autosomal recessive inheritance. Affected: yes. Observed: 1 compound heterozygote.
Comment: ATP7B: c.4258_4264del is a novel frameshift variant involving a seven-nucleotide deletion in exon 21. This deletion alters the reading frame beginning at codon 1420, substituting Aspartic acid with Serine and introducing a premature stop codon 12 residues downstream (p.Asp1420Serfs*12), likely resulting in a truncated, non-functional protein

Literature cited by the submitters: PubMed 20301685.

NM_000053.4(ATP7B):c.4258_4264del (p.Asp1420fs)

Gene: ATP7B (ATPase copper transporting beta; minus strand). Cytogenetic location: 13q14.3.
Variant type: Deletion.
Coding change: c.4258_4264del on transcript NM_000053.4 (MANE Select); coding-DNA positions 4258 to 4264, 7 bases deleted (GACCAGG; older notation c.4258_4264delGACCAGG).
Protein change: p.Asp1420fs; shifts the reading frame from aspartic acid 1420.
Molecular consequence: frameshift variant.
Genome position (GRCh38, 1-based): chr13:51,934,890-51,934,896, CCTGGTC deleted on the plus strand (GACCAGG on the coding strand, the reverse complement: ATP7B is on the minus strand); deleting any 7 consecutive bases within chr13:51,934,890-51,934,898 gives the same sequence; the c. name uses the placement nearest the transcript's 3' end. VCF-style (leftmost placement, unchanged base first): chr13-51934889-ACCTGGTC-A. GRCh37 (hg19) VCF-style: chr13-52509025-ACCTGGTC-A.
Other names: c.3925_3931del, p.Asp1309fs (NM_001243182.2); c.4024_4030del, p.Asp1342fs (NM_001330578.2, NM_001406527.1, NM_001406528.1); c.4006_4012del, p.Asp1336fs (NM_001330579.2, NM_001406531.1, NM_001406532.1); c.4258_4264del, p.Asp1420fs (NM_001406511.1, NM_001406512.1); c.4252_4258del, p.Asp1418fs (NM_001406513.1); c.4225_4231del, p.Asp1409fs (NM_001406514.1); c.4204_4210del, p.Asp1402fs (NM_001406515.1, NM_001406516.1); c.4162_4168del, p.Asp1388fs (NM_001406517.1, NM_001406518.1); and 21 more; short protein forms D1139fs, D1193fs, D1204fs, D1213fs, D1226fs, D1256fs, D1258fs, D1271fs.
Identifiers: ClinVar variation 4528918 (VCV004528918.1).